The following is an entry in ClinVar:

ClinVar aggregate classification (germline): Uncertain significance. Review status: criteria provided, multiple submitters, no conflicts (2 of 4 stars). 3 submissions from 3 submitters: Uncertain significance (3). Last evaluated 2026-07-01.

Conditions:
Long QT syndrome (LQTS). Identifiers: MedGen C0023976, MeSH D008133, MONDO:0002442. Disease mechanism: loss of function. Inheritance: Various modes of inheritance.
Cardiovascular phenotype. Identifiers: MedGen CN230736.

Allele frequency attached by ClinVar (database versions not stated): gnomAD exomes 0.00001; TOPMed 0.00001; ExAC 0.00002.
gnomAD v4.1: 6 of 1,613,584 alleles (0.00037%); highest among the groups gnomAD compares: Admixed American, 0.0033%; no homozygotes.

Submissions (3):

CeGaT Center for Human Genetics Tuebingen
Classification: Uncertain significance. Last evaluated: 2026-07-01. Review status: criteria provided, single submitter. Criteria: CeGaT Center For Human Genetics Tuebingen Variant Classification Criteria Version 2. Collection method: clinical testing. Allele origin: germline. Affected: yes. Observed: 1 variant allele.

Ambry Genetics
Classification: Uncertain significance for Cardiovascular phenotype. Last evaluated: 2023-12-12. Review status: criteria provided, single submitter. Criteria: Ambry Variant Classification Scheme 2023. Collection method: clinical testing. Allele origin: germline.
Comment: The p.V139A variant (also known as c.416T>C), located in coding exon 2 of the CAV3 gene, results from a T to C substitution at nucleotide position 416. The valine at codon 139 is replaced by alanine, an amino acid with similar properties. This amino acid position is conserved. In addition, the in silico prediction for this alteration is inconclusive. Since supporting evidence is limited at this time, the clinical significance of this alteration remains unclear.

Labcorp Genetics (formerly Invitae), Labcorp
Classification: Uncertain significance for Long QT syndrome. Last evaluated: 2022-07-26. Review status: criteria provided, single submitter. Criteria: Invitae Variant Classification Sherloc (09022015). Collection method: clinical testing. Allele origin: germline.
Comment: In summary, the available evidence is currently insufficient to determine the role of this variant in disease. Therefore, it has been classified as a Variant of Uncertain Significance. Algorithms developed to predict the effect of missense changes on protein structure and function are either unavailable or do not agree on the potential impact of this missense change (SIFT: "Deleterious"; PolyPhen-2: "Benign"; Align-GVGD: "Class C25"). ClinVar contains an entry for this variant (Variation ID: 1412080). This variant has not been reported in the literature in individuals affected with CAV3-related conditions. This variant is present in population databases (rs756611208, gnomAD 0.003%). This sequence change replaces valine, which is neutral and non-polar, with alanine, which is neutral and non-polar, at codon 139 of the CAV3 protein (p.Val139Ala).

NM_033337.3(CAV3):c.416T>C (p.Val139Ala)

Genes: CAV3 (caveolin 3; plus strand), OXTR (oxytocin receptor; minus strand). Cytogenetic location: 3p25.3.
Variant type: single nucleotide variant.
Coding change: c.416T>C on transcript NM_033337.3 (MANE Select); coding-DNA position 416, T replaced by C.
Protein change: p.Val139Ala; replaces valine 139 with alanine.
Molecular consequence: missense variant.
Genome position (GRCh38, 1-based): chr3:8,745,827, T>C. VCF-style: chr3-8745827-T-C. GRCh37 (hg19) VCF-style: chr3-8787513-T-C.
Other names: c.416T>C, p.Val139Ala (NM_001234.5); c.416T>C (NM_033337.2); short protein forms V139A.
Identifiers: ClinVar variation 1412080 (VCV001412080.8), dbSNP rs756611208, ClinGen allele CA2236367.